The following is an entry in ClinVar:

ClinVar aggregate classification (germline): Uncertain significance (1 of 4 stars; one submission).

Submission:

GeneDx
Classification: Uncertain significance. Last evaluated: 2026-03-10. Review status: criteria provided, single submitter. Criteria: GeneDx Variant Classification Process June 2021. Collection method: clinical testing. Allele origin: germline.
Comment: In-frame deletion of one amino acid in a non-repeat region; In silico analysis suggests that this variant does not alter protein structure/function; Has not been previously published as pathogenic or benign to our knowledge

NM_015692.5(CPAMD8):c.645CAA[1] (p.Asn216del)

Gene: CPAMD8 (C3 and PZP like alpha-2-macroglobulin domain containing 8; minus strand). Cytogenetic location: 19p13.11.
Variant type: Microsatellite.
Coding change: c.645CAA[1] on transcript NM_015692.5 (MANE Select); one copy of the 3-base unit CAA starting at c.645; the reference has two copies in a row; one copy, 3 bases deleted.
Protein change: p.Asn216del; deletes asparagine 216.
Molecular consequence: non-coding transcript variant (on NR_165644.1).
Genome position (GRCh38, 1-based): chr19:17,004,296-17,004,298, TTG deleted on the plus strand (CAA on the coding strand, the reverse complement: CPAMD8 is on the minus strand); deleting any 3 consecutive bases within chr19:17,004,296-17,004,302 gives the same sequence; the position shown is the placement nearest the transcript's 3' end. VCF-style (leftmost placement, unchanged base first): chr19-17004295-CTTG-C. GRCh37 (hg19) VCF-style: chr19-17115105-CTTG-C.
Other names: short protein forms N216del.
Identifiers: ClinVar variation 4083304 (VCV004083304.2).
Genomic context (GRCh38, chr19:17,004,295, plus strand): 5'-GATCTGAAATCCCAAGACCCTGAGATTCTCCAACTTACCATACTTCTGAACTTCAAAAGA[CTTG>C]TTGTACGCGTGGCCTTGCATTTCAACAAAAATGAACCATTCTCCCAACACAGGCTGGTCG-3'